The following is an entry in ClinVar:

ClinVar aggregate classification (germline): Likely pathogenic (1 of 4 stars; one submission).

Conditions:
Dilated cardiomyopathy 1G (CMD1G). Identifiers: Orphanet 154, MedGen C1858763, MONDO:0011400, OMIM 604145.
Autosomal recessive limb-girdle muscular dystrophy type 2J (LGMDR10). Also called: Limb-girdle muscular dystrophy, type 2J; MUSCULAR DYSTROPHY, LIMB-GIRDLE, AUTOSOMAL RECESSIVE 10. Identifiers: Orphanet 140922, MedGen C1837342, MONDO:0012127, OMIM 608807.

Submission:

Labcorp Genetics (formerly Invitae), Labcorp
Classification: Likely pathogenic for Dilated cardiomyopathy 1G; Autosomal recessive limb-girdle muscular dystrophy type 2J. Last evaluated: 2025-12-24. Review status: criteria provided, single submitter. Criteria: Invitae Variant Classification Sherloc (09022015). Collection method: clinical testing. Allele origin: germline.
Comment: This sequence change creates a premature translational stop signal (p.Trp32817*) in the TTN gene. While this is not anticipated to result in nonsense mediated decay, it is expected to create a truncated TTN protein. This variant is not present in population databases (gnomAD no frequency). This premature translational stop signal has been observed in individual(s) with dilated cardiomyopathy (internal data). ClinVar contains an entry for this variant (Variation ID: 1511309). This variant is located in the A band of TTN (PMID: 25589632). Truncating variants in this region are significantly overrepresented in patients affected with dilated cardiomyopathy (PMID: 25589632). Truncating variants in this region have also been reported in individuals affected with autosomal recessive centronuclear myopathy (PMID: 23975875). In summary, the currently available evidence indicates that the variant is pathogenic, but additional data are needed to prove that conclusively. Therefore, this variant has been classified as Likely Pathogenic.

Literature cited by the submitters: PubMed 25589632; PubMed 23975875.

NM_001267550.2(TTN):c.98450G>A (p.Trp32817Ter)

Genes: TTN (titin; minus strand), TTN-AS1 (TTN antisense RNA 1; plus strand). Cytogenetic location: 2q31.2.
Variant type: single nucleotide variant.
Coding change: c.98450G>A on transcript NM_001267550.2 (MANE Select); coding-DNA position 98450, G replaced by A.
Protein change: p.Trp32817Ter; replaces tryptophan 32817 with a stop codon.
Molecular consequence: nonsense. On other transcripts: non-coding transcript variant (1).
Genome position (GRCh38, 1-based): chr2:178,539,615, C>T on the plus strand (G>A on the coding strand, the complement: TTN is on the minus strand). VCF-style: chr2-178539615-C-T. GRCh37 (hg19) VCF-style: chr2-179404342-C-T.
Other names: c.93527G>A, p.Trp31176Ter (NM_001256850.1); c.71255G>A, p.Trp23752Ter (NM_003319.4); c.90746G>A, p.Trp30249Ter (NM_133378.4); c.71630G>A, p.Trp23877Ter (NM_133432.3); c.71831G>A, p.Trp23944Ter (NM_133437.4); short protein forms W23752*, W23877*, W30249*, W32817*, W23944*, W31176*.
Identifiers: ClinVar variation 1511309 (VCV001511309.6), dbSNP rs2154140054, ClinGen allele CA349432385.
Genomic context (GRCh38, chr2:178,539,615, plus strand): 5'-TCTCGTCTCTCGAGGATGTAGCCTAAGATGTCAGCACCACCATCATCAGCAGGAGGTCTC[C>T]AGCTGACCCTCACAGAGCGGACTTGGATGTCATCATATTCCAGTGGCCCTTCTGGACTGT-3'